The following is an entry in ClinVar:

ClinVar aggregate classification (germline): Uncertain significance (1 of 4 stars; one submission).

gnomAD v4.1: 1 of 1,614,230 alleles (0.000062%); highest among the groups gnomAD compares: Non-Finnish European, 0.000085%; no homozygotes.

Submission:

GeneDx
Classification: Uncertain significance. Last evaluated: 2023-06-22. Review status: criteria provided, single submitter. Criteria: GeneDx Variant Classification Process June 2021. Collection method: clinical testing. Allele origin: germline. Affected: yes.
Comment: Not observed at significant frequency in large population cohorts (gnomAD); In silico analysis supports that this missense variant does not alter protein structure/function; Has not been previously published as pathogenic or benign to our knowledge

NM_001127178.3(PIGG):c.1849G>C (p.Gly617Arg)

Gene: PIGG (phosphatidylinositol glycan anchor biosynthesis class G (EMM blood group); plus strand). Cytogenetic location: 4p16.3.
Variant type: single nucleotide variant.
Coding change: c.1849G>C on transcript NM_001127178.3 (MANE Select); coding-DNA position 1849, G replaced by C.
Protein change: p.Gly617Arg; replaces glycine 617 with arginine.
Molecular consequence: missense variant. On other transcripts: non-coding transcript variant (6).
Genome position (GRCh38, 1-based): chr4:523,693, G>C. VCF-style: chr4-523693-G-C. GRCh37 (hg19) VCF-style: chr4-517482-G-C.
Other names: c.1582G>C, p.Gly528Arg (NM_001289051.2, NM_001345986.2); c.1450G>C, p.Gly484Arg (NM_001289052.2); c.1558G>C, p.Gly520Arg (NM_001345987.2); c.820G>C, p.Gly274Arg (NM_001345988.2); c.316G>C, p.Gly106Arg (NM_001345990.2, NM_001345991.2); c.751G>C, p.Gly251Arg (NM_001345994.2); c.1825G>C, p.Gly609Arg (NM_017733.5); short protein forms G106R, G251R, G274R, G484R, G520R, G528R, G609R, G617R.
Identifiers: ClinVar variation 3360174 (VCV003360174.1).